The following is an entry in ClinVar:

ClinVar aggregate classification (germline): Conflicting classifications of pathogenicity. Review status: criteria provided, conflicting classifications (1 of 4 stars). 2 submissions from 2 submitters: Uncertain significance (1); Likely benign (1). Last evaluated 2025-11-26.

Conditions:
Inborn genetic diseases. Identifiers: MedGen C0950123, MeSH D030342.

Allele frequency attached by ClinVar (database versions not stated): ExAC 0.00001; gnomAD exomes 0.00001; TOPMed 0.00002.
gnomAD v4.1: 36 of 1,612,602 alleles (0.0022%); highest among the groups gnomAD compares: Middle Eastern, 0.016%; no homozygotes.

Submissions (2):

Ambry Genetics
Classification: Uncertain significance for Inborn genetic diseases. Last evaluated: 2025-11-26. Review status: criteria provided, single submitter. Criteria: Ambry Variant Classification Scheme 2023. Collection method: clinical testing. Allele origin: germline.
Comment: The c.955C>T (p.R319W) alteration is located in exon 9 (coding exon 9) of the DVL1 gene. This alteration results from a C to T substitution at nucleotide position 955, causing the arginine (R) at amino acid position 319 to be replaced by a tryptophan (W). Based on data from gnomAD, the T allele has an overall frequency of 0.001% (3/250076) total alleles studied. The highest observed frequency was 0.006% (2/34544) of Latino alleles. Based on insufficient or conflicting evidence, the clinical significance of this alteration remains unclear.

Labcorp Genetics (formerly Invitae), Labcorp
Classification: Likely benign. Last evaluated: 2025-07-30. Review status: criteria provided, single submitter. Criteria: Invitae Variant Classification Sherloc (09022015). Collection method: clinical testing. Allele origin: germline.

NM_001330311.2(DVL1):c.955C>T (p.Arg319Trp)

Gene: DVL1 (dishevelled segment polarity protein 1; minus strand). Cytogenetic location: 1p36.33.
Variant type: single nucleotide variant.
Coding change: c.955C>T on transcript NM_001330311.2 (MANE Select); coding-DNA position 955, C replaced by T.
Protein change: p.Arg319Trp; replaces arginine 319 with tryptophan.
Molecular consequence: missense variant.
Genome position (GRCh38, 1-based): chr1:1,339,767, G>A on the plus strand (C>T on the coding strand, the complement: DVL1 is on the minus strand). VCF-style: chr1-1339767-G-A. GRCh37 (hg19) VCF-style: chr1-1275147-G-A.
Other names: c.955C>T, p.Arg319Trp (NM_004421.3); short protein forms R319W.
Identifiers: ClinVar variation 797134 (VCV000797134.7), dbSNP rs755962173, ClinGen allele CA520317.